The following is an entry in ClinVar:

NM_145068.4(TRPV3):c.*2760A>C

Genes: SPATA22 (spermatogenesis associated 22; minus strand), TRPV3 (transient receptor potential cation channel subfamily V member 3; minus strand). Cytogenetic location: 17p13.2.
Variant type: single nucleotide variant.
Coding change: c.*2760A>C on transcript NM_145068.4 (MANE Select); 2760 bases downstream of the stop codon, A replaced by C.
Molecular consequence: 3 prime UTR variant. On other transcripts: intron variant (2).
Genome position (GRCh38, 1-based): chr17:3,511,157, T>G on the plus strand (A>C on the coding strand, the complement: TRPV3 is on the minus strand). VCF-style: chr17-3511157-T-G. GRCh37 (hg19) VCF-style: chr17-3414451-T-G.
Other names: c.*2760A>C (NM_001258205.2); c.-74+2255A>C (NM_001321336.2, NM_001321337.2).
Identifiers: ClinVar variation 890322 (VCV000890322.6), dbSNP rs551619649, ClinGen allele CA286987141.
Genomic context (GRCh38, chr17:3,511,157, plus strand): 5'-AATGTCAATCACGGAGTTTTAGGATGTCCTGATAGACCCACGGGTTCAACGGGGTGTGTG[T>G]GGGGGCTGAGGGTGTGTGTGTGCATGGGTGTGGTTTTGTGCACCCCTGTGGGCACACTTG-3'

ClinVar aggregate classification (germline): Benign (1 of 4 stars; one submission).

Conditions:
Isolated focal non-epidermolytic palmoplantar keratoderma. Also called: Palmoplantar keratoderma, nonepidermolytic, focal 2. Identifiers: Orphanet 448264, MedGen C4225339, MONDO:0014622, OMIM 616400.

Allele frequency attached by ClinVar (database versions not stated): 1000 Genomes Project 0.00060; TOPMed 0.00011; gnomAD 0.00006 and 0.00011; 1000 Genomes Project 30x 0.00062.

Submission:

Illumina Laboratory Services, Illumina
Classification: Benign for Isolated focal non-epidermolytic palmoplantar keratoderma. Last evaluated: 2018-01-13. Review status: criteria provided, single submitter. Criteria: ICSL Variant Classification Criteria 13 December 2019. Collection method: clinical testing. Allele origin: germline.
Comment: This variant was observed in the ICSL laboratory as part of a predisposition screen in an ostensibly healthy population. It had not been previously curated by ICSL or reported in the Human Gene Mutation Database (HGMD: prior to June 1st, 2018), and was therefore a candidate for classification through an automated scoring system. Utilizing variant allele frequency, disease prevalence and penetrance estimates, and inheritance mode, an automated score was calculated to assess if this variant is too frequent to cause the disease. Based on the score and internal cut-off values, a variant classified as benign is not then subjected to further curation. The score for this variant resulted in a classification of benign for this disease.